The following is an entry in ClinVar:

ClinVar aggregate classification (germline): Uncertain significance (1 of 4 stars; one submission).

Conditions:
Bardet-Biedl syndrome (BBS). Identifiers: Orphanet 110, MedGen C0752166, MONDO:0015229.

Allele frequency attached by ClinVar (database versions not stated): gnomAD exomes below 0.00001.
gnomAD v4.1: 1 of 1,614,166 alleles (0.000062%); highest among the groups gnomAD compares: Non-Finnish European, 0.000085%; no homozygotes.

Submission:

Labcorp Genetics (formerly Invitae), Labcorp
Classification: Uncertain significance for Bardet-Biedl syndrome. Last evaluated: 2022-07-05. Review status: criteria provided, single submitter. Criteria: Invitae Variant Classification Sherloc (09022015). Collection method: clinical testing. Allele origin: germline.
Comment: This variant is not present in population databases (gnomAD no frequency). In summary, the available evidence is currently insufficient to determine the role of this variant in disease. Therefore, it has been classified as a Variant of Uncertain Significance. Algorithms developed to predict the effect of missense changes on protein structure and function output the following: SIFT: "Deleterious"; PolyPhen-2: "Benign"; Align-GVGD: "Class C15". The isoleucine amino acid residue is found in multiple mammalian species, which suggests that this missense change does not adversely affect protein function. This variant has not been reported in the literature in individuals affected with BBS2-related conditions. This sequence change replaces threonine, which is neutral and polar, with isoleucine, which is neutral and non-polar, at codon 331 of the BBS2 protein (p.Thr331Ile).

NM_031885.5(BBS2):c.992C>T (p.Thr331Ile)

Gene: BBS2 (Bardet-Biedl syndrome 2; minus strand). Cytogenetic location: 16q13.
Variant type: single nucleotide variant.
Coding change: c.992C>T on transcript NM_031885.5 (MANE Select); coding-DNA position 992, C replaced by T.
Protein change: p.Thr331Ile; replaces threonine 331 with isoleucine.
Molecular consequence: missense variant. On other transcripts: non-coding transcript variant (5).
Genome position (GRCh38, 1-based): chr16:56,502,405, G>A on the plus strand (C>T on the coding strand, the complement: BBS2 is on the minus strand). VCF-style: chr16-56502405-G-A. GRCh37 (hg19) VCF-style: chr16-56536317-G-A.
Other names: c.992C>T, p.Thr331Ile (NM_001377456.1); short protein forms T331I.
Identifiers: ClinVar variation 2085446 (VCV002085446.3), dbSNP rs2144148951, ClinGen allele CA395980679.